The following is an entry in ClinVar:

ClinVar aggregate classification (germline): Uncertain significance (1 of 4 stars; one submission).

gnomAD v4.1: 1 of 1,613,828 alleles (0.000062%); highest among the groups gnomAD compares: African/African-American, 0.0013%; no homozygotes.

Submission:

Labcorp Genetics (formerly Invitae), Labcorp
Classification: Uncertain significance. Last evaluated: 2024-09-05. Review status: criteria provided, single submitter. Criteria: Invitae Variant Classification Sherloc (09022015). Collection method: clinical testing. Allele origin: germline.
Comment: This sequence change replaces lysine, which is basic and polar, with asparagine, which is neutral and polar, at codon 746 of the MUT protein (p.Lys746Asn). This variant is not present in population databases (gnomAD no frequency). This variant has not been reported in the literature in individuals affected with MUT-related conditions. ClinVar contains an entry for this variant (Variation ID: 2082774). Invitae Evidence Modeling of protein sequence and biophysical properties (such as structural, functional, and spatial information, amino acid conservation, physicochemical variation, residue mobility, and thermodynamic stability) has been performed for this missense variant. However, the output from this modeling did not meet the statistical confidence thresholds required to predict the impact of this variant on MUT protein function. In summary, the available evidence is currently insufficient to determine the role of this variant in disease. Therefore, it has been classified as a Variant of Uncertain Significance.

NM_000255.4(MMUT):c.2238G>C (p.Lys746Asn)

Gene: MMUT (methylmalonyl-CoA mutase; minus strand). Cytogenetic location: 6p12.3.
Variant type: single nucleotide variant.
Coding change: c.2238G>C on transcript NM_000255.4 (MANE Select); coding-DNA position 2238, G replaced by C.
Protein change: p.Lys746Asn; replaces lysine 746 with asparagine.
Molecular consequence: missense variant.
Genome position (GRCh38, 1-based): chr6:49,431,743, C>G on the plus strand (G>C on the coding strand, the complement: MMUT is on the minus strand). VCF-style: chr6-49431743-C-G. GRCh37 (hg19) VCF-style: chr6-49399456-C-G.
Other names: short protein forms K746N.
Identifiers: ClinVar variation 2082774 (VCV002082774.4), dbSNP rs1461532904, ClinGen allele CA364582848.
Genomic context (GRCh38, chr6:49,431,743, plus strand): 5'-AACTAAAATAATATTTTAGACAAAAGCTAAAACAAAAAGAGGATATTATACAGATTGCTG[C>G]TTCTTTTCCAAACACTTCTCAATATCATCAAGCACCTGAACGGCAGCCTTTGGAATTCGA-3'
Protein context (NP_000246.2, residues 736-750): LDDIEKCLEK[Lys746Asn]QQSV